The following is an entry in ClinVar:

ClinVar aggregate classification (germline): Uncertain significance (1 of 4 stars; one submission).

Conditions:
Severe combined immunodeficiency due to DCLRE1C deficiency (RS-SCID). Also called: SCID, AUTOSOMAL RECESSIVE, T CELL-NEGATIVE, B CELL-NEGATIVE, NK CELL-POSITIVE, WITH SENSITIVITY TO IONIZING RADIATION. Identifiers: Orphanet 275, MedGen C1865371, MONDO:0011225, OMIM 602450.

gnomAD v4.1: 1 of 1,614,156 alleles (0.000062%); highest among the groups gnomAD compares: Admixed American, 0.0017%; no homozygotes.

Submission:

Labcorp Genetics (formerly Invitae), Labcorp
Classification: Uncertain significance for Athabaskan severe combined immunodeficiency. Last evaluated: 2025-09-10. Review status: criteria provided, single submitter. Criteria: Invitae Variant Classification Sherloc (09022015). Collection method: clinical testing. Allele origin: germline.
Comment: This sequence change replaces serine, which is neutral and polar, with asparagine, which is neutral and polar, at codon 625 of the DCLRE1C protein (p.Ser625Asn). This variant is present in population databases (no rsID available, gnomAD 0.003%). This variant has not been reported in the literature in individuals affected with DCLRE1C-related conditions. An algorithm developed to predict the effect of missense changes on protein structure and function outputs the following: PolyPhen-2: "Benign". The asparagine amino acid residue is found in multiple mammalian species, which suggests that this missense change does not adversely affect protein function. In summary, the available evidence is currently insufficient to determine the role of this variant in disease. Therefore, it has been classified as a Variant of Uncertain Significance.

NM_001033855.3(DCLRE1C):c.1874G>A (p.Ser625Asn)

Gene: DCLRE1C (DNA cross-link repair 1C; minus strand). Cytogenetic location: 10p13.
Variant type: single nucleotide variant.
Coding change: c.1874G>A on transcript NM_001033855.3 (MANE Select); coding-DNA position 1874, G replaced by A.
Protein change: p.Ser625Asn; replaces serine 625 with asparagine.
Molecular consequence: missense variant. On other transcripts: non-coding transcript variant (3), intron variant (3).
Genome position (GRCh38, 1-based): chr10:14,908,613, C>T on the plus strand (G>A on the coding strand, the complement: DCLRE1C is on the minus strand). VCF-style: chr10-14908613-C-T. GRCh37 (hg19) VCF-style: chr10-14950612-C-T.
Other names: c.1437+92G>A (NM_001350966.2); c.1782+92G>A (NM_001350965.2); c.1422+92G>A (NM_001350967.2); c.1529G>A, p.Ser510Asn (NM_001289076.2, NM_001289078.2, NM_022487.4); c.1514G>A, p.Ser505Asn (NM_001289077.2, NM_001289079.2, NM_001033857.3 and 1 more transcripts); short protein forms S505N, S625N, S510N.
Identifiers: ClinVar variation 4705500 (VCV004705500.1).